The following is an entry in ClinVar:

NM_172107.4(KCNQ2):c.1024-164G>A

Gene: KCNQ2 (potassium voltage-gated channel subfamily Q member 2; minus strand). Cytogenetic location: 20q13.33.
Variant type: single nucleotide variant.
Coding change: c.1024-164G>A on transcript NM_172107.4 (MANE Select); 164 bases into the intron before coding-DNA position 1024, G replaced by A.
Molecular consequence: intron variant.
Genome position (GRCh38, 1-based): chr20:63,434,067, C>T on the plus strand (G>A on the coding strand, the complement: KCNQ2 is on the minus strand). VCF-style: chr20-63434067-C-T. GRCh37 (hg19) VCF-style: chr20-62065420-C-T.
Other names: c.1024-164G>A (NM_004518.6, NM_172108.5, NM_172106.3 and 1 more transcripts).
Identifiers: ClinVar variation 682047 (VCV000682047.1), dbSNP rs6011829, ClinGen allele CA14782031.

ClinVar aggregate classification (germline): Benign (1 of 4 stars; one submission).

Allele frequency attached by ClinVar (database versions not stated): 1000 Genomes Project 0.19828; 1000 Genomes Project 30x 0.19988; TOPMed 0.27586; gnomAD 0.29080 and 0.29511; gnomAD exomes 0.34114.
gnomAD v4.1: 201,286 of 613,574 alleles (33%); highest among the groups gnomAD compares: Non-Finnish European, 40%; 36,643 homozygotes.

Submission:

GeneDx
Classification: Benign. Last evaluated: 2018-06-14. Review status: criteria provided, single submitter. Criteria: GeneDx Variant Classification (06012015). Collection method: clinical testing. Allele origin: germline. Affected: yes.
Comment: This variant is considered likely benign or benign based on one or more of the following criteria: it is a conservative change, it occurs at a poorly conserved position in the protein, it is predicted to be benign by multiple in silico algorithms, and/or has population frequency not consistent with disease.